The following is an entry in ClinVar:

NM_173551.5(ANKS6):c.2534A>C (p.Gln845Pro)

Gene: ANKS6 (ankyrin repeat and sterile alpha motif domain containing 6; minus strand). Cytogenetic location: 9q22.33.
Variant type: single nucleotide variant.
Coding change: c.2534A>C on transcript NM_173551.5 (MANE Select); coding-DNA position 2534, A replaced by C.
Protein change: p.Gln845Pro; replaces glutamine 845 with proline.
Molecular consequence: missense variant.
Genome position (GRCh38, 1-based): chr9:98,736,601, T>G on the plus strand (A>C on the coding strand, the complement: ANKS6 is on the minus strand). VCF-style: chr9-98736601-T-G. GRCh37 (hg19) VCF-style: chr9-101498883-T-G.
Other names: short protein forms Q845P.
Identifiers: ClinVar variation 1999426 (VCV001999426.4), dbSNP rs2490319891, ClinGen allele CA374213492.

ClinVar aggregate classification (germline): Uncertain significance (1 of 4 stars; one submission).

Conditions:
Nephronophthisis 16 (NPHP16). Identifiers: Orphanet 655, MedGen C3809320, MONDO:0014158, OMIM 615382.

Submission:

Labcorp Genetics (formerly Invitae), Labcorp
Classification: Uncertain significance for Nephronophthisis 16. Last evaluated: 2022-05-27. Review status: criteria provided, single submitter. Criteria: Invitae Variant Classification Sherloc (09022015). Collection method: clinical testing. Allele origin: germline.
Comment: In summary, the available evidence is currently insufficient to determine the role of this variant in disease. Therefore, it has been classified as a Variant of Uncertain Significance. Algorithms developed to predict the effect of sequence changes on RNA splicing suggest that this variant may create or strengthen a splice site. Algorithms developed to predict the effect of missense changes on protein structure and function are either unavailable or do not agree on the potential impact of this missense change (SIFT: "Deleterious"; PolyPhen-2: "Probably Damaging"; Align-GVGD: "Class C0"). This variant has not been reported in the literature in individuals affected with ANKS6-related conditions. This variant is not present in population databases (gnomAD no frequency). This sequence change replaces glutamine, which is neutral and polar, with proline, which is neutral and non-polar, at codon 845 of the ANKS6 protein (p.Gln845Pro).